The following is an entry in ClinVar:

NM_000059.4(BRCA2):c.6164del (p.Phe2055fs)

Gene: BRCA2 (BRCA2 DNA repair associated; plus strand). Cytogenetic location: 13q13.1.
Variant type: Deletion.
Coding change: c.6164del on transcript NM_000059.4 (MANE Select); coding-DNA position 6164, one base deleted (T; older notation c.6164delT).
Protein change: p.Phe2055fs; shifts the reading frame from phenylalanine 2055.
Molecular consequence: frameshift variant.
Genome position (GRCh38, 1-based): chr13:32,340,519, T deleted; the last of 3 consecutive T bases (chr13:32,340,517-32,340,519); deleting any one gives the same sequence. VCF-style (leftmost placement, unchanged base first): chr13-32340516-CT-C. GRCh37 (hg19) VCF-style: chr13-32914653-CT-C.
Other names: c.6164delT (NM_000059.3).
Identifiers: ClinVar variation 52022 (VCV000052022.13), dbSNP rs397507831, ClinGen allele CA023710.

ClinVar aggregate classification (germline): Pathogenic. Review status: reviewed by expert panel (3 of 4 stars). 5 submissions from 5 submitters: Pathogenic (1). 4 of the submissions do not count toward it. Last evaluated 2016-09-08.

Conditions:
Hereditary breast ovarian cancer syndrome. Also called: Hereditary breast and ovarian cancer syndrome; Hereditary breast and ovarian cancer; Hereditary breast and ovarian cancer syndrome (HBOC); Breast and ovarian cancer; Hereditary breast and/or ovarian cancer syndrome; BRCA1- and BRCA2-Associated Hereditary Breast and Ovarian Cancer. Identifiers: Orphanet 145, MedGen C0677776, MeSH D061325, MONDO:0003582. Disease mechanism: loss of function.
Breast-ovarian cancer, familial, susceptibility to, 2 (BROVCA2). Also called: BRCA2 Hereditary Breast and Ovarian Cancer. Identifiers: Orphanet 145, MedGen C2675520, MONDO:0012933, OMIM 612555. Disease mechanism: loss of function.

Submissions (5):

Evidence-based Network for the Interpretation of Germline Mutant Alleles (ENIGMA)
Classification: Pathogenic for Breast-ovarian cancer, familial, susceptibility to, 2. Last evaluated: 2016-09-08. Review status: reviewed by expert panel. Criteria: ENIGMA BRCA1/2 Classification Criteria (2015). Collection method: curation. Allele origin: germline.
Comment: Variant allele predicted to encode a truncated non-functional protein.

Labcorp Genetics (formerly Invitae), Labcorp
Classification: Pathogenic for Hereditary breast ovarian cancer syndrome. Last evaluated: 2022-12-02. Review status: criteria provided, single submitter. Criteria: Invitae Variant Classification Sherloc (09022015). Collection method: clinical testing. Allele origin: germline. Not counted in ClinVar's aggregate classification.
Comment: For these reasons, this variant has been classified as Pathogenic. ClinVar contains an entry for this variant (Variation ID: 52022). This variant is also known as 6392delT. This premature translational stop signal has been observed in individual(s) with breast cancer (PMID: 22682623). This variant is not present in population databases (gnomAD no frequency). This sequence change creates a premature translational stop signal (p.Phe2055Serfs*15) in the BRCA2 gene. It is expected to result in an absent or disrupted protein product. Loss-of-function variants in BRCA2 are known to be pathogenic (PMID: 20104584).

Quest Diagnostics Nichols Institute San Juan Capistrano
Classification: Pathogenic for Breast-ovarian cancer, familial, susceptibility to, 2. Last evaluated: 2015-07-10. Review status: criteria provided, single submitter. Criteria: Quest Diagnostics criteria. Collection method: clinical testing. Allele origin: germline. Inheritance: Autosomal dominant inheritance. Not counted in ClinVar's aggregate classification.

Clinical Genetics DNA and cytogenetics Diagnostics Lab, Erasmus MC, Erasmus Medical Center
Classification: Pathogenic. Review status: no assertion criteria provided. Collection method: clinical testing. Allele origin: germline. Affected: yes. Study: VKGL Data-share Consensus. Not counted in ClinVar's aggregate classification.

Diagnostic Laboratory, Department of Genetics, University Medical Center Groningen
Classification: Pathogenic. Review status: no assertion criteria provided. Collection method: clinical testing. Allele origin: germline. Affected: yes. Study: VKGL Data-share Consensus. Not counted in ClinVar's aggregate classification.

Literature cited by the submitters: PubMed 22682623 (cited by Labcorp Genetics (formerly Invitae), Labcorp and Quest Diagnostics Nichols Institute San Juan Capistrano); PubMed 20104584 (cited by Labcorp Genetics (formerly Invitae), Labcorp); PubMed 26295337 (cited by Quest Diagnostics Nichols Institute San Juan Capistrano).